The following is an entry in ClinVar:

NM_004364.5(CEBPA):c.356_359del (p.Val119fs)

Gene: CEBPA (CCAAT enhancer binding protein alpha; minus strand). Cytogenetic location: 19q13.11.
Variant type: Deletion.
Coding change: c.356_359del on transcript NM_004364.5 (MANE Select); coding-DNA positions 356 to 359, 4 bases deleted (TCAT; older notation c.356_359delTCAT).
Protein change: p.Val119fs; shifts the reading frame from valine 119.
Molecular consequence: frameshift variant. On other transcripts: initiator codon variant (1).
Genome position (GRCh38, 1-based): chr19:33,302,056-33,302,059, ATGA deleted on the plus strand (TCAT on the coding strand, the reverse complement: CEBPA is on the minus strand). VCF-style (leftmost placement, unchanged base first): chr19-33302055-CATGA-C. GRCh37 (hg19) VCF-style: chr19-33792961-CATGA-C.
Other names: c.-2_2del, p.Met1fs (NM_001285829.2); c.461_464del, p.Val154fs (NM_001287424.2); c.314_317del, p.Val105fs (NM_001287435.2); short protein forms M1fs, V105fs, V119fs, V154fs.
Identifiers: ClinVar variation 1692810 (VCV001692810.2), dbSNP rs2145262693, ClinGen allele CA2573156218.

ClinVar aggregate classification (germline): Likely pathogenic (1 of 4 stars; one submission).

Conditions:
Hereditary cancer-predisposing syndrome. Also called: Hereditary neoplastic syndrome; Tumor predisposition; Neoplastic Syndromes, Hereditary; Hereditary Cancer Syndrome. Identifiers: Orphanet 140162, MedGen C0027672, MeSH D009386, MONDO:0015356.

Submission:

Sema4
Classification: Likely pathogenic for Hereditary cancer-predisposing syndrome. Last evaluated: 2021-11-22. Review status: criteria provided, single submitter. Criteria: Sema4 Curation Guidelines. Collection method: curation. Allele origin: germline.
Comment: To the best of our knowledge, the CEBPA c.356_359delTCAT (p.V119GfsX40) variant has not been reported in individuals with CEBPA-related disease. This variant causes a frameshift at amino acid 119 that results in premature termination 40 amino acids downstream. Variants in this region have been associated with acute myeloid leukemia (PMID: 26162409). This variant is not reported in the population database Genome Aggregation Database (PMID: 32461654), and has not been reported in ClinVar. Based on the current evidence available, this variant is interpreted as likely pathogenic.

Literature cited by the submitters: PubMed 26162409.